The following is an entry in ClinVar:

NM_130384.3(ATRIP):c.1796C>G (p.Pro599Arg)

Genes: ATRIP (ATR interacting protein; plus strand), ATRIP-TREX1 (ATRIP-TREX1 readthrough; plus strand). Cytogenetic location: 3p21.31.
Variant type: single nucleotide variant.
Coding change: c.1796C>G on transcript NM_130384.3 (MANE Select); coding-DNA position 1796, C replaced by G.
Protein change: p.Pro599Arg; replaces proline 599 with arginine.
Molecular consequence: missense variant. On other transcripts: non-coding transcript variant (1).
Genome position (GRCh38, 1-based): chr3:48,463,795, C>G. VCF-style: chr3-48463795-C-G. GRCh37 (hg19) VCF-style: chr3-48505194-C-G.
Other names: c.1415C>G, p.Pro472Arg (NM_001271022.2); c.1517C>G, p.Pro506Arg (NM_001271023.2); c.1796C>G, p.Pro599Arg (NM_032166.4); short protein forms P506R, P472R, P599R.
Identifiers: ClinVar variation 4182349 (VCV004182349.1).

ClinVar aggregate classification (germline): Uncertain significance (1 of 4 stars; one submission).

Submission:

Ambry Genetics
Classification: Uncertain significance. Last evaluated: 2025-08-02. Review status: criteria provided, single submitter. Criteria: Ambry Variant Classification Scheme 2023. Collection method: clinical testing. Allele origin: germline.
Comment: The p.P599R variant (also known as c.1796C>G), located in coding exon 9 of the ATRIP gene, results from a C to G substitution at nucleotide position 1796. The proline at codon 599 is replaced by arginine, an amino acid with dissimilar properties. This amino acid position is conserved. In addition, this alteration is predicted to be tolerated by in silico analysis. Based on the available evidence, the clinical significance of this variant remains unclear.